The following is an entry in ClinVar:

ClinVar aggregate classification (germline): Uncertain significance (1 of 4 stars; one submission).

Conditions:
Cobalamin C disease. Also called: Methylmalonic aciduria and homocystinuria, Vitamin B12-responsive; Vitamin B12 metabolic defect with combined deficiency of methylmalonyl-CoA mutase and homocysteine:methyltetrahydrofolate methyltransferase; Cobalamin-C methylmalonic acidemia and homocystinuria; Methylmalonic acidemia and homocystinuria cblC type; methylmalonic aciduria and homocystinuria type cblC; Methylmalonic aciduria with homocystinuria cblC type. Identifiers: Orphanet 26, Orphanet 79282, MedGen C1848561, MONDO:0010184, OMIM 277400.

Allele frequency attached by ClinVar (database versions not stated): gnomAD exomes below 0.00001.
gnomAD v4.1: 1 of 1,614,132 alleles (0.000062%); highest among the groups gnomAD compares: Non-Finnish European, 0.000085%; no homozygotes.

Submission:

Labcorp Genetics (formerly Invitae), Labcorp
Classification: Uncertain significance for Cobalamin C disease. Last evaluated: 2021-12-29. Review status: criteria provided, single submitter. Criteria: Invitae Variant Classification Sherloc (09022015). Collection method: clinical testing. Allele origin: germline.
Comment: This sequence change replaces glutamic acid, which is acidic and polar, with lysine, which is basic and polar, at codon 96 of the MMACHC protein (p.Glu96Lys). This variant is not present in population databases (gnomAD no frequency). This variant has not been reported in the literature in individuals affected with MMACHC-related conditions. Advanced modeling of protein sequence and biophysical properties (such as structural, functional, and spatial information, amino acid conservation, physicochemical variation, residue mobility, and thermodynamic stability) performed at Invitae indicates that this missense variant is not expected to disrupt MMACHC protein function. In summary, the available evidence is currently insufficient to determine the role of this variant in disease. Therefore, it has been classified as a Variant of Uncertain Significance.

NM_015506.3(MMACHC):c.286G>A (p.Glu96Lys)

Gene: MMACHC (metabolism of cobalamin associated C; plus strand). Cytogenetic location: 1p34.1.
Variant type: single nucleotide variant.
Coding change: c.286G>A on transcript NM_015506.3 (MANE Select); coding-DNA position 286, G replaced by A.
Protein change: p.Glu96Lys; replaces glutamic acid 96 with lysine.
Molecular consequence: missense variant.
Genome position (GRCh38, 1-based): chr1:45,508,221, G>A. VCF-style: chr1-45508221-G-A. GRCh37 (hg19) VCF-style: chr1-45973893-G-A.
Other names: c.115G>A, p.Glu39Lys (NM_001330540.2); short protein forms E39K, E96K.
Identifiers: ClinVar variation 1947809 (VCV001947809.2), dbSNP rs2522824491, ClinGen allele CA340132107.